The following is an entry in ClinVar:

NM_004706.4(ARHGEF1):c.548G>A (p.Arg183Gln)

Gene: ARHGEF1 (Rho guanine nucleotide exchange factor 1; plus strand). Cytogenetic location: 19q13.2.
Variant type: single nucleotide variant.
Coding change: c.548G>A on transcript NM_004706.4 (MANE Select); coding-DNA position 548, G replaced by A.
Protein change: p.Arg183Gln; replaces arginine 183 with glutamine.
Molecular consequence: missense variant. On other transcripts: non-coding transcript variant (2).
Genome position (GRCh38, 1-based): chr19:41,892,783, G>A. VCF-style: chr19-41892783-G-A. GRCh37 (hg19) VCF-style: chr19-42396854-G-A.
Other names: c.548G>A, p.Arg183Gln (NM_001396000.1, NM_001396003.1, NM_001396006.1); c.449G>A, p.Arg150Gln (NM_001396002.1, NM_001396004.1, NM_198977.2); c.593G>A, p.Arg198Gln (NM_199002.2); short protein forms R183Q, R150Q, R198Q.
Identifiers: ClinVar variation 2980817 (VCV002980817.3), dbSNP rs781803561, ClinGen allele CA9465935.

ClinVar aggregate classification (germline): Uncertain significance (1 of 4 stars; one submission).

gnomAD v4.1: 25 of 1,601,376 alleles (0.0016%); highest among the groups gnomAD compares: Admixed American, 0.0084%; no homozygotes.

Submission:

Labcorp Genetics (formerly Invitae), Labcorp
Classification: Uncertain significance. Last evaluated: 2024-08-17. Review status: criteria provided, single submitter. Criteria: Invitae Variant Classification Sherloc (09022015). Collection method: clinical testing. Allele origin: germline.
Comment: This sequence change replaces arginine, which is basic and polar, with glutamine, which is neutral and polar, at codon 198 of the ARHGEF1 protein (p.Arg198Gln). This variant is present in population databases (rs781803561, gnomAD 0.02%). This variant has not been reported in the literature in individuals affected with ARHGEF1-related conditions. An algorithm developed to predict the effect of missense changes on protein structure and function (PolyPhen-2) suggests that this variant is likely to be tolerated. In summary, the available evidence is currently insufficient to determine the role of this variant in disease. Therefore, it has been classified as a Variant of Uncertain Significance.